The following is an entry in ClinVar:

ClinVar aggregate classification (germline): Uncertain significance (1 of 4 stars; one submission).

Allele frequency attached by ClinVar (database versions not stated): ESP Exome Variant Server 0.00008.

Submission:

Labcorp Genetics (formerly Invitae), Labcorp
Classification: Uncertain significance. Last evaluated: 2023-12-16. Review status: criteria provided, single submitter. Criteria: Invitae Variant Classification Sherloc (09022015). Collection method: clinical testing. Allele origin: germline.
Comment: This sequence change replaces histidine, which is basic and polar, with asparagine, which is neutral and polar, at codon 302 of the TFRC protein (p.His302Asn). This variant is present in population databases (rs368049940, gnomAD 0.006%). This variant has not been reported in the literature in individuals affected with TFRC-related conditions. Advanced modeling of protein sequence and biophysical properties (such as structural, functional, and spatial information, amino acid conservation, physicochemical variation, residue mobility, and thermodynamic stability) performed at Invitae indicates that this missense variant is expected to disrupt TFRC protein function with a positive predictive value of 80%. In summary, the available evidence is currently insufficient to determine the role of this variant in disease. Therefore, it has been classified as a Variant of Uncertain Significance.

NM_001128148.3(TFRC):c.904C>A (p.His302Asn)

Gene: TFRC (transferrin receptor; minus strand). Cytogenetic location: 3q29.
Variant type: single nucleotide variant.
Coding change: c.904C>A on transcript NM_001128148.3 (MANE Select); coding-DNA position 904, C replaced by A.
Protein change: p.His302Asn; replaces histidine 302 with asparagine.
Molecular consequence: missense variant.
Genome position (GRCh38, 1-based): chr3:196,067,654, G>T on the plus strand (C>A on the coding strand, the complement: TFRC is on the minus strand). VCF-style: chr3-196067654-G-T. GRCh37 (hg19) VCF-style: chr3-195794525-G-T.
Other names: c.661C>A, p.His221Asn (NM_001313965.2); c.58C>A, p.His20Asn (NM_001313966.2); c.904C>A, p.His302Asn (NM_003234.4); short protein forms H20N, H302N, H221N.
Identifiers: ClinVar variation 2964636 (VCV002964636.3), dbSNP rs368049940, ClinGen allele CA2778138.